The following is an entry in ClinVar:

ClinVar aggregate classification (germline): Uncertain significance (1 of 4 stars; one submission).

Allele frequency attached by ClinVar (database versions not stated): gnomAD exomes below 0.00001; ExAC 0.00001; gnomAD 0.00001; TOPMed 0.00001; 1000 Genomes Project 30x 0.00016; 1000 Genomes Project 0.00020.
gnomAD v4.1: 5 of 1,611,124 alleles (0.00031%); highest among the groups gnomAD compares: Admixed American, 0.0033%; no homozygotes.

Submission:

Labcorp Genetics (formerly Invitae), Labcorp
Classification: Uncertain significance. Last evaluated: 2023-07-26. Review status: criteria provided, single submitter. Criteria: Invitae Variant Classification Sherloc (09022015). Collection method: clinical testing. Allele origin: germline.
Comment: In summary, the available evidence is currently insufficient to determine the role of this variant in disease. Therefore, it has been classified as a Variant of Uncertain Significance. An algorithm developed to predict the effect of missense changes on protein structure and function (PolyPhen-2) suggests that this variant¬†is likely to be tolerated. ClinVar contains an entry for this variant (Variation ID: 2420831). This variant has not been reported in the literature in individuals affected with PNPLA8-related conditions. This variant is present in population databases (rs557023667, gnomAD 0.006%). This sequence change replaces arginine, which is basic and polar, with glutamine, which is neutral and polar, at codon 462 of the PNPLA8 protein (p.Arg462Gln).

NM_001256007.3(PNPLA8):c.1385G>A (p.Arg462Gln)

Gene: PNPLA8 (patatin like domain 8, phospholipase A2; minus strand). Cytogenetic location: 7q31.1.
Variant type: single nucleotide variant.
Coding change: c.1385G>A on transcript NM_001256007.3 (MANE Select); coding-DNA position 1385, G replaced by A.
Protein change: p.Arg462Gln; replaces arginine 462 with glutamine.
Molecular consequence: missense variant.
Genome position (GRCh38, 1-based): chr7:108,497,551, C>T on the plus strand (G>A on the coding strand, the complement: PNPLA8 is on the minus strand). VCF-style: chr7-108497551-C-T. GRCh37 (hg19) VCF-style: chr7-108137995-C-T.
Other names: c.1385G>A, p.Arg462Gln (NM_001256008.3, NM_001256009.3, NM_015723.5); c.1085G>A, p.Arg362Gln (NM_001256010.3, NM_001256011.3); short protein forms R362Q, R462Q.
Identifiers: ClinVar variation 2420831 (VCV002420831.4), dbSNP rs557023667, ClinGen allele CA4439575.